The following is an entry in ClinVar:

ClinVar aggregate classification (germline): Uncertain significance (1 of 4 stars; one submission).

Submission:

GeneDx
Classification: Uncertain significance. Last evaluated: 2024-12-06. Review status: criteria provided, single submitter. Criteria: GeneDx Variant Classification Process June 2021. Collection method: clinical testing. Allele origin: germline. Affected: yes.
Comment: Not observed at significant frequency in large population cohorts (gnomAD); In silico analysis indicates that this missense variant does not alter protein structure/function; Has not been previously published as pathogenic or benign to our knowledge

NM_031263.4(HNRNPK):c.1025A>G (p.Asp342Gly)

Gene: HNRNPK (heterogeneous nuclear ribonucleoprotein K; minus strand). Cytogenetic location: 9q21.32.
Variant type: single nucleotide variant.
Coding change: c.1025A>G on transcript NM_031263.4 (MANE Select); coding-DNA position 1025, A replaced by G.
Protein change: p.Asp342Gly; replaces aspartic acid 342 with glycine.
Molecular consequence: missense variant.
Genome position (GRCh38, 1-based): chr9:83,971,340, T>C on the plus strand (A>G on the coding strand, the complement: HNRNPK is on the minus strand). VCF-style: chr9-83971340-T-C. GRCh37 (hg19) VCF-style: chr9-86586255-T-C.
Other names: c.953A>G, p.Asp318Gly (NM_001318186.2, NM_001318187.2); c.1025A>G, p.Asp342Gly (NM_001318188.2, NM_002140.5, NM_031262.4); short protein forms D318G, D342G.
Identifiers: ClinVar variation 3901445 (VCV003901445.1).